The following is an entry in ClinVar:

ClinVar aggregate classification (germline): Pathogenic (1 of 4 stars; one submission).

Conditions:
GLUT1 deficiency syndrome 1, autosomal recessive. Identifiers: MedGen C3149117.

Submission:

Labcorp Genetics (formerly Invitae), Labcorp
Classification: Pathogenic for GLUT1 deficiency syndrome 1, autosomal recessive. Last evaluated: 2023-06-26. Review status: criteria provided, single submitter. Criteria: Invitae Variant Classification Sherloc (09022015). Collection method: clinical testing. Allele origin: germline.
Comment: For these reasons, this variant has been classified as Pathogenic. Advanced modeling of protein sequence and biophysical properties (such as structural, functional, and spatial information, amino acid conservation, physicochemical variation, residue mobility, and thermodynamic stability) performed at Invitae indicates that this missense variant is expected to disrupt SLC2A1 protein function. ClinVar contains an entry for this variant (Variation ID: 862413). This missense change has been observed in individual(s) with clinical features of autosomal dominant glucose transporter type 1 deficiency syndrome and/or GLUT1-deficiency syndrome (PMID: 26193382; Invitae). In at least one individual the variant was observed to be de novo. This variant is not present in population databases (gnomAD no frequency). This sequence change replaces serine, which is neutral and polar, with leucine, which is neutral and non-polar, at codon 148 of the SLC2A1 protein (p.Ser148Leu).

Literature cited by the submitters: PubMed 26193382.

NM_006516.4(SLC2A1):c.443C>T (p.Ser148Leu)

Gene: SLC2A1 (solute carrier family 2 member 1; minus strand). Cytogenetic location: 1p34.2.
Variant type: single nucleotide variant.
Coding change: c.443C>T on transcript NM_006516.4 (MANE Select); coding-DNA position 443, C replaced by T.
Protein change: p.Ser148Leu; replaces serine 148 with leucine.
Molecular consequence: missense variant.
Genome position (GRCh38, 1-based): chr1:42,930,699, G>A on the plus strand (C>T on the coding strand, the complement: SLC2A1 is on the minus strand). VCF-style: chr1-42930699-G-A. GRCh37 (hg19) VCF-style: chr1-43396370-G-A.
Other names: short protein forms S148L.
Identifiers: ClinVar variation 862413 (VCV000862413.10), dbSNP rs1643479604, ClinGen allele CA339960623.